The following is an entry in ClinVar:

NM_000051.4(ATM):c.6452G>A (p.Arg2151Lys)

Genes: ATM (ATM serine/threonine kinase; plus strand), C11orf65 (chromosome 11 open reading frame 65; minus strand). Cytogenetic location: 11q22.3.
Variant type: single nucleotide variant.
Coding change: c.6452G>A on transcript NM_000051.4 (MANE Select); coding-DNA position 6452, G replaced by A.
Protein change: p.Arg2151Lys; replaces arginine 2151 with lysine.
Molecular consequence: missense variant. On other transcripts: intron variant (2).
Genome position (GRCh38, 1-based): chr11:108,320,058, G>A. VCF-style: chr11-108320058-G-A. GRCh37 (hg19) VCF-style: chr11-108190785-G-A.
Other names: c.6452G>A, p.Arg2151Lys (NM_001351834.2); c.641-10987C>T (NM_001330368.2); c.*39-10987C>T (NM_001351110.2); short protein forms R2151K.
Identifiers: ClinVar variation 2115488 (VCV002115488.5), dbSNP rs2136222746, ClinGen allele CA382553678.

ClinVar aggregate classification (germline): Conflicting classifications of pathogenicity. Review status: criteria provided, conflicting classifications (1 of 4 stars). 2 submissions from 2 submitters: Likely pathogenic (1); Uncertain significance (1). Last evaluated 2024-01-29.

Conditions:
Familial cancer of breast. Also called: BREAST CANCER, FAMILIAL; hereditary breast carcinoma; Hereditary breast cancer. Identifiers: Orphanet 227535, MedGen C0346153, MONDO:0016419, OMIM 114480. Disease mechanism: loss of function.
Ataxia-telangiectasia syndrome (AT). Also called: ATAXIA-TELANGIECTASIA, COMPLEMENTATION GROUP A; ATAXIA-TELANGIECTASIA, FRESNO VARIANT; Ataxia-telangiectasia; Ataxia-telangiectasia, complementation group E; LOUIS-BAR SYNDROME; Cerebello-oculocutaneous telangiectasia. Identifiers: Orphanet 100, MedGen C0004135, MONDO:0008840, OMIM 208900.

Submissions (2):

Myriad Genetics, Inc.
Classification: Likely pathogenic for Familial cancer of breast. Last evaluated: 2024-01-29. Review status: criteria provided, single submitter. Criteria: Myriad Autosomal Dominant, Autosomal Recessive and X-Linked Classification Criteria (2023). Collection method: clinical testing. Allele origin: unknown.
Comment: This variant is considered likely pathogenic. mRNA analysis has demonstrated abnormal mRNA splicing occurs [Myriad internal data].

Labcorp Genetics (formerly Invitae), Labcorp
Classification: Uncertain significance for Ataxia-telangiectasia syndrome. Last evaluated: 2022-06-19. Review status: criteria provided, single submitter. Criteria: Invitae Variant Classification Sherloc (09022015). Collection method: clinical testing. Allele origin: germline.
Comment: In summary, the available evidence is currently insufficient to determine the role of this variant in disease. Therefore, it has been classified as a Variant of Uncertain Significance. Variants that disrupt the consensus splice site are a relatively common cause of aberrant splicing (PMID: 17576681, 9536098). Studies have shown that this missense change results in skipping of skipping of exon 44, but is expected to preserve the integrity of the reading-frame (Invitae). Algorithms developed to predict the effect of missense changes on protein structure and function (SIFT, PolyPhen-2, Align-GVGD) all suggest that this variant is likely to be tolerated. This variant has not been reported in the literature in individuals affected with ATM-related conditions. This variant is not present in population databases (gnomAD no frequency). This sequence change replaces arginine, which is basic and polar, with lysine, which is basic and polar, at codon 2151 of the ATM protein (p.Arg2151Lys). RNA analysis indicates that this missense change induces altered splicing and likely results in a shortened protein product.

Literature cited by the submitters: PubMed 17576681 (cited by Labcorp Genetics (formerly Invitae), Labcorp); PubMed 9536098 (cited by Labcorp Genetics (formerly Invitae), Labcorp).